The following is an entry in ClinVar:

ClinVar aggregate classification (germline): Pathogenic (1 of 4 stars; one submission).

Submission:

Labcorp Genetics (formerly Invitae), Labcorp
Classification: Pathogenic. Last evaluated: 2022-08-20. Review status: criteria provided, single submitter. Criteria: Invitae Variant Classification Sherloc (09022015). Collection method: clinical testing. Allele origin: germline.
Comment: This variant is not present in population databases (gnomAD no frequency). This sequence change creates a premature translational stop signal (p.Ser1345*) in the ERCC6 gene. While this is not anticipated to result in nonsense mediated decay, it is expected to disrupt the last 149 amino acid(s) of the ERCC6 protein. For these reasons, this variant has been classified as Pathogenic. This variant disrupts a region of the ERCC6 protein in which other variant(s) (p.Gly1372Glufs*22) have been determined to be pathogenic (PMID: 27004399; Invitae). This suggests that this is a clinically significant region of the protein, and that variants that disrupt it are likely to be disease-causing. This variant has not been reported in the literature in individuals affected with ERCC6-related conditions.

Literature cited by the submitters: PubMed 27004399.

NM_000124.4(ERCC6):c.4034C>G (p.Ser1345Ter)

Gene: ERCC6 (ERCC excision repair 6, chromatin remodeling factor; minus strand). Cytogenetic location: 10q11.23.
Variant type: single nucleotide variant.
Coding change: c.4034C>G on transcript NM_000124.4 (MANE Select); coding-DNA position 4034, C replaced by G.
Protein change: p.Ser1345Ter; replaces serine 1345 with a stop codon.
Molecular consequence: nonsense.
Genome position (GRCh38, 1-based): chr10:49,460,401, G>C on the plus strand (C>G on the coding strand, the complement: ERCC6 is on the minus strand). VCF-style: chr10-49460401-G-C. GRCh37 (hg19) VCF-style: chr10-50668447-G-C.
Other names: c.4034C>G, p.Ser1345Ter (NM_001346440.2); short protein forms S1345*.
Identifiers: ClinVar variation 2129899 (VCV002129899.4), dbSNP rs2495946797, ClinGen allele CA376708068.